The following is an entry in ClinVar:

ClinVar aggregate classification (germline): Pathogenic (1 of 4 stars; one submission).

Conditions:
Ellis-van Creveld syndrome (EVC). Also called: MESOECTODERMAL DYSPLASIA; Chondroectodermal dysplasia. Identifiers: Orphanet 289, MedGen C0013903, MONDO:0009162, OMIM 225500.

Submission:

Myriad Genetics, Inc.
Classification: Pathogenic for Ellis-van Creveld syndrome. Last evaluated: 2026-03-05. Review status: criteria provided, single submitter. Criteria: Myriad Autosomal Dominant, Autosomal Recessive and X-Linked Classification Criteria (2023). Collection method: clinical testing. Allele origin: unknown.
Comment: NM_147127.4(EVC2):c.1657_1658delGA(E553Ifs*7) is expected to be pathogenic in the context of EVC2-related Ellis-van Creveld syndrome. This variant is predicted to lead to an abnormal or absent protein product due to the creation of a premature termination codon in EVC2, a gene where loss-of-function variants are known to be pathogenic. Please note: this variant was assessed in the context of healthy population screening.

NM_147127.5(EVC2):c.1657_1658del (p.Glu553fs)

Gene: EVC2 (EvC ciliary complex subunit 2; minus strand). Cytogenetic location: 4p16.2.
Variant type: Deletion.
Coding change: c.1657_1658del on transcript NM_147127.5 (MANE Select); coding-DNA positions 1657 to 1658, 2 bases deleted (GA; older notation c.1657_1658delGA).
Protein change: p.Glu553fs; shifts the reading frame from glutamic acid 553.
Molecular consequence: frameshift variant.
Genome position (GRCh38, 1-based): chr4:5,631,845-5,631,846, TC deleted on the plus strand (GA on the coding strand, the reverse complement: EVC2 is on the minus strand). VCF-style (leftmost placement, unchanged base first): chr4-5631844-TTC-T. GRCh37 (hg19) VCF-style: chr4-5633571-TTC-T.
Other names: c.1417_1418del, p.Glu473fs (NM_001166136.2); short protein forms E473fs, E553fs.
Identifiers: ClinVar variation 5015646 (VCV005015646.1).